The following is an entry in ClinVar:

ClinVar aggregate classification (germline): Uncertain significance (1 of 4 stars; one submission).

Conditions:
Atrioventricular septal defect 4 (AVSD4). Identifiers: MedGen C3280781, MONDO:0013747, OMIM 614430.

Submission:

Labcorp Genetics (formerly Invitae), Labcorp
Classification: Uncertain significance for Atrioventricular septal defect 4. Last evaluated: 2023-10-04. Review status: criteria provided, single submitter. Criteria: Invitae Variant Classification Sherloc (09022015). Collection method: clinical testing. Allele origin: germline.
Comment: This sequence change replaces glycine, which is neutral and non-polar, with alanine, which is neutral and non-polar, at codon 79 of the GATA4 protein (p.Gly79Ala). This variant is not present in population databases (gnomAD no frequency). This variant has not been reported in the literature in individuals affected with GATA4-related conditions. Advanced modeling of protein sequence and biophysical properties (such as structural, functional, and spatial information, amino acid conservation, physicochemical variation, residue mobility, and thermodynamic stability) performed at Invitae indicates that this missense variant is not expected to disrupt GATA4 protein function. In summary, the available evidence is currently insufficient to determine the role of this variant in disease. Therefore, it has been classified as a Variant of Uncertain Significance.

NM_001308093.3(GATA4):c.236G>C (p.Gly79Ala)

Gene: GATA4 (GATA binding protein 4). Cytogenetic location: 8p23.1.
Variant type: single nucleotide variant.
Coding change: c.236G>C on transcript NM_001308093.3 (MANE Select); coding-DNA position 236, G replaced by C.
Protein change: p.Gly79Ala; replaces glycine 79 with alanine.
Molecular consequence: missense variant. On other transcripts: intron variant (3).
Genome position (GRCh38, 1-based): chr8:11,708,548, G>C. VCF-style: chr8-11708548-G-C. GRCh37 (hg19) VCF-style: chr8-11566057-G-C.
Other names: c.236G>C, p.Gly79Ala (NM_002052.5); c.-6+7770G>C (NM_001308094.2); c.-3+534G>C (NM_001374274.1); c.-3+4244G>C (NM_001374273.1); short protein forms G79A.
Identifiers: ClinVar variation 2787572 (VCV002787572.3), dbSNP rs1015136328, ClinGen allele CA370309210.